The following is an entry in ClinVar:

NM_198173.3(GRHL3):c.1412C>G (p.Ser471Cys)

Gene: GRHL3 (grainyhead like transcription factor 3; plus strand). Cytogenetic location: 1p36.11.
Variant type: single nucleotide variant.
Coding change: c.1412C>G on transcript NM_198173.3 (MANE Select); coding-DNA position 1412, C replaced by G.
Protein change: p.Ser471Cys; replaces serine 471 with cysteine.
Molecular consequence: missense variant.
Genome position (GRCh38, 1-based): chr1:24,343,018, C>G. VCF-style: chr1-24343018-C-G. GRCh37 (hg19) VCF-style: chr1-24669508-C-G.
Other names: c.1274C>G, p.Ser425Cys (NM_001195010.2); c.1427C>G, p.Ser476Cys (NM_021180.4); c.1412C>G, p.Ser471Cys (NM_198174.3); short protein forms S425C, S471C, S476C.
Identifiers: ClinVar variation 4995116 (VCV004995116.1).

ClinVar aggregate classification (germline): Likely benign (1 of 4 stars; one submission).

Conditions:
GRHL3-related disorder. Also called: GRHL3-related condition.

gnomAD v4.1: 80 of 1,614,054 alleles (0.005%); highest among the groups gnomAD compares: South Asian, 0.08%; 1 homozygote.

Submission:

PreventionGenetics, part of Exact Sciences
Classification: Likely benign for GRHL3-related condition. Last evaluated: 2026-04-09. Review status: criteria provided, single submitter. Criteria: ACMG Guidelines, 2015. Collection method: clinical testing. Allele origin: germline.
Comment: This variant is classified as likely benign based on ACMG/AMP sequence variant interpretation guidelines (Richards et al. 2015 PMID: 25741868, with internal and published modifications).